The following is an entry in ClinVar:

ClinVar aggregate classification (germline): Uncertain significance (1 of 4 stars; one submission).

Conditions:
Gnathodiaphyseal dysplasia (GDD). Also called: GNATHODIAPHYSEAL SCLEROSIS; OSTEOGENESIS IMPERFECTA WITH UNUSUAL SKELETAL LESIONS. Identifiers: Orphanet 53697, MedGen C1833736, MONDO:0008151, OMIM 166260.
Autosomal recessive limb-girdle muscular dystrophy type 2L (LGMDR12). Also called: Limb-girdle muscular dystrophy, type 2L; MUSCULAR DYSTROPHY, LIMB-GIRDLE, AUTOSOMAL RECESSIVE 12; Limb-Girdle Muscular Dystrophy R12 Anoctamin-5-Related (LGMD-R12). Identifiers: Orphanet 206549, MedGen C1969785, MONDO:0012652, OMIM 611307.

Allele frequency attached by ClinVar (database versions not stated): gnomAD exomes below 0.00001; ExAC 0.00001.
gnomAD v4.1: 7 of 1,613,184 alleles (0.00043%); highest among the groups gnomAD compares: South Asian, 0.0066%; no homozygotes.

Submission:

Labcorp Genetics (formerly Invitae), Labcorp
Classification: Uncertain significance for Autosomal recessive limb-girdle muscular dystrophy type 2L; Gnathodiaphyseal dysplasia. Last evaluated: 2022-06-03. Review status: criteria provided, single submitter. Criteria: Invitae Variant Classification Sherloc (09022015). Collection method: clinical testing. Allele origin: germline.
Comment: In summary, the available evidence is currently insufficient to determine the role of this variant in disease. Therefore, it has been classified as a Variant of Uncertain Significance. Variants that disrupt the consensus splice site are a relatively common cause of aberrant splicing (PMID: 17576681, 9536098). Algorithms developed to predict the effect of sequence changes on RNA splicing suggest that this variant may disrupt the consensus splice site. This variant has not been reported in the literature in individuals affected with ANO5-related conditions. This variant is present in population databases (rs144441862, gnomAD 0.003%). This sequence change falls in intron 7 of the ANO5 gene. It does not directly change the encoded amino acid sequence of the ANO5 protein. It affects a nucleotide within the consensus splice site.

Literature cited by the submitters: PubMed 17576681; PubMed 9536098.

NM_213599.3(ANO5):c.648+4G>A

Gene: ANO5 (anoctamin 5; plus strand). Cytogenetic location: 11p14.3.
Variant type: single nucleotide variant.
Coding change: c.648+4G>A on transcript NM_213599.3 (MANE Select); 4 bases into the intron after coding-DNA position 648, G replaced by A.
Molecular consequence: intron variant.
Genome position (GRCh38, 1-based): chr11:22,227,590, G>A. VCF-style: chr11-22227590-G-A. GRCh37 (hg19) VCF-style: chr11-22249136-G-A.
Other names: c.645+4G>A (NM_001142649.2).
Identifiers: ClinVar variation 2121158 (VCV002121158.4), dbSNP rs144441862, ClinGen allele CA5922964.